The following is an entry in ClinVar:

ClinVar aggregate classification (germline): Uncertain significance (1 of 4 stars; one submission).

Submission:

Labcorp Genetics (formerly Invitae), Labcorp
Classification: Uncertain significance. Last evaluated: 2023-02-13. Review status: criteria provided, single submitter. Criteria: Invitae Variant Classification Sherloc (09022015). Collection method: clinical testing. Allele origin: germline.
Comment: In summary, the available evidence is currently insufficient to determine the role of this variant in disease. Therefore, it has been classified as a Variant of Uncertain Significance. Advanced modeling of protein sequence and biophysical properties (such as structural, functional, and spatial information, amino acid conservation, physicochemical variation, residue mobility, and thermodynamic stability) performed at Invitae indicates that this missense variant is not expected to disrupt POLE protein function. This variant has not been reported in the literature in individuals affected with POLE-related conditions. This variant is not present in population databases (gnomAD no frequency). This sequence change replaces valine, which is neutral and non-polar, with leucine, which is neutral and non-polar, at codon 2234 of the POLE protein (p.Val2234Leu).

NM_006231.4(POLE):c.6700G>C (p.Val2234Leu)

Gene: POLE (DNA polymerase epsilon, catalytic subunit; minus strand). Cytogenetic location: 12q24.33.
Variant type: single nucleotide variant.
Coding change: c.6700G>C on transcript NM_006231.4 (MANE Select); coding-DNA position 6700, G replaced by C.
Protein change: p.Val2234Leu; replaces valine 2234 with leucine.
Molecular consequence: missense variant.
Genome position (GRCh38, 1-based): chr12:132,624,952, C>G on the plus strand (G>C on the coding strand, the complement: POLE is on the minus strand). VCF-style: chr12-132624952-C-G. GRCh37 (hg19) VCF-style: chr12-133201538-C-G.
Other names: short protein forms V2234L.
Identifiers: ClinVar variation 2836796 (VCV002836796.3), dbSNP rs2138422953, ClinGen allele CA387366144.